The following is an entry in ClinVar:

ClinVar aggregate classification (germline): Conflicting classifications of pathogenicity. Review status: criteria provided, conflicting classifications (1 of 4 stars). 8 submissions from 8 submitters: Pathogenic (2); Likely pathogenic (4); Uncertain significance (1). 1 of the submissions does not count toward it. Last evaluated 2026-07-16.

Conditions:
PKHD1-related disorder. Also called: PKHD1-related condition.
Polycystic kidney disease 4 (PKD4). Also called: POLYCYSTIC KIDNEY AND HEPATIC DISEASE 1; POLYCYSTIC KIDNEY DISEASE, INFANTILE, TYPE I; POLYCYSTIC KIDNEY DISEASE 4 WITH OR WITHOUT POLYCYSTIC LIVER DISEASE; Autosomal Recessive Polycystic Kidney Disease – PKHD1; PKD3. Identifiers: MedGen C4540575, MONDO:0033004, OMIM 263200.
Autosomal recessive polycystic kidney disease (ARPKD). Also called: AR polycystic kidney disease. Identifiers: Orphanet 731, Orphanet 8378, MedGen C0085548, MeSH D017044, MONDO:0009889.

Allele frequency attached by ClinVar (database versions not stated): gnomAD exomes 0.00002; TOPMed below 0.00001; ExAC 0.00001.
gnomAD v4.1: 33 of 1,613,992 alleles (0.002%); highest among the groups gnomAD compares: East Asian, 0.0045%; no homozygotes.

Submissions (8):

Myriad Genetics, Inc.
Classification: Likely pathogenic for Polycystic kidney disease 4. Last evaluated: 2026-07-16. Review status: criteria provided, single submitter. Criteria: Myriad Autosomal Dominant, Autosomal Recessive and X-Linked Classification Criteria (2023). Collection method: clinical testing. Allele origin: unknown.
Comment: NM_138694.3(PKHD1):c.8425G>A(G2809R) is a missense variant classified as likely pathogenic in the context of autosomal recessive polycystic kidney disease, PKHD1-related. G2809R has been observed in cases with relevant disease (PMID: 15805161, 40774958). Relevant functional assessments of this variant are not available in the literature. G2809R has been observed in referenced population frequency databases. In summary, NM_138694.3(PKHD1):c.8425G>A(G2809R) is a missense variant that has been observed more frequently in cases with the relevant disease than in healthy populations. Please note: this variant was assessed in the context of healthy population screening.

Natera, Inc.
Classification: Likely pathogenic for Autosomal recessive polycystic kidney disease. Last evaluated: 2025-12-22. Review status: criteria provided, single submitter. Criteria: Natera Variant Classification Schema (03/2026). Collection method: clinical testing. Allele origin: germline.
Comment: The c.8425G>A variant in PKHD1 is a missense variant predicted to cause substitution of glycine to arginine at amino acid 2809. This variant is rare in the general population with a frequency below the threshold expected for the associated phenotype(s). This variant has been observed in one or more individuals affected with the associated recessive disease, as either homozygous or compound heterozygous with a second variant (PMID: 15805161, 40774958). Computational prediction algorithms indicate this variant is likely to affect gene or protein function. Given the available evidence, this variant is classified as Likely Pathogenic.

Women's Health and Genetics/Laboratory Corporation of America, LabCorp
Classification: Likely pathogenic for Autosomal recessive polycystic kidney disease. Last evaluated: 2025-12-19. Review status: criteria provided, single submitter. Criteria: LabCorp Variant Classification Summary - May 2015. Collection method: clinical testing. Allele origin: germline.
Comment: Variant summary: PKHD1 c.8425G>A (p.Gly2809Arg) results in a non-conservative amino acid change in the encoded protein sequence. Algorithms developed to predict the effect of missense changes on protein structure and function all suggest that this variant is likely to be disruptive. The variant allele was found at a frequency of 1.6e-05 in 251250 control chromosomes. c.8425G>A has been observed in individual(s) affected with Polycystic Kidney And Hepatic Disease (example: Sharp_2005, Rasouly_2025, internal data). These data indicate that the variant may be associated with disease. To our knowledge, no experimental evidence demonstrating an impact on protein function has been reported. The following publications have been ascertained in the context of this evaluation (PMID: 15805161, 40774958 ). ClinVar contains an entry for this variant (Variation ID: 96434). Based on the evidence outlined above, the variant was classified as likely pathogenic.

Labcorp Genetics (formerly Invitae), Labcorp
Classification: Pathogenic for Autosomal recessive polycystic kidney disease. Last evaluated: 2024-11-18. Review status: criteria provided, single submitter. Criteria: Invitae Variant Classification Sherloc (09022015). Collection method: clinical testing. Allele origin: germline.
Comment: This sequence change replaces glycine, which is neutral and non-polar, with arginine, which is basic and polar, at codon 2809 of the PKHD1 protein (p.Gly2809Arg). This variant is present in population databases (rs398124497, gnomAD 0.007%). This missense change has been observed in individual(s) with autosomal recessive polycystic kidney disease (PMID: 15805161; internal data). In at least one individual the data is consistent with being in trans (on the opposite chromosome) from a pathogenic variant. ClinVar contains an entry for this variant (Variation ID: 96434). Invitae Evidence Modeling of protein sequence and biophysical properties (such as structural, functional, and spatial information, amino acid conservation, physicochemical variation, residue mobility, and thermodynamic stability) indicates that this missense variant is expected to disrupt PKHD1 protein function with a positive predictive value of 95%. For these reasons, this variant has been classified as Pathogenic.

Victorian Clinical Genetics Services, Murdoch Childrens Research Institute
Classification: Pathogenic for Polycystic kidney disease 4. Last evaluated: 2024-09-22. Review status: criteria provided, single submitter. Criteria: ACMG Guidelines, 2015. Collection method: clinical testing. Allele origin: germline. Inheritance: Autosomal recessive inheritance. Affected: yes.
Comment: Based on the classification scheme VCGS_Germline_v1.3.4, this variant is classified as Pathogenic. Following criteria are met: 0102 - Loss of function is a known mechanism of disease in this gene and is associated with polycystic kidney disease 4, with or without hepatic disease (MIM#263200). (I) 0106 - This gene is associated with autosomal recessive disease; however, there are emerging reports of heterozygous carriers of PKHD1 variants developing liver cysts and nephrocalcinosis (PMID: 21945273). (I) 0115 - Variants in this gene are known to have variable expressivity. Significant intrafamilial variability has been reported (PMID: 20301501). (I) 0200 - Variant is predicted to result in a missense amino acid change from glycine to arginine. (I) 0251 - This variant is heterozygous. (I) 0304 - Variant is present in gnomAD (v2) <0.01 for a recessive condition (4 heterozygotes, 0 homozygotes). (SP) 0501 - Missense variant consistently predicted to be damaging by multiple in silico tools or highly conserved with a major amino acid change. (SP) 0600 - Variant is located in the annotated G8 domain (DECIPHER). (I) 0704 - Another missense variant comparable to the one identified in this case has limited previous evidence for pathogenicity. This comparable change (p.(Gly2809Glu)) has been reported once as likely pathogenic (ClinVar). (SP) 0802 - This variant has moderate previous evidence of pathogenicity in unrelated individuals. This variant has been reported twice as a VUS, but more recently as likely pathogenic and pathogenic (ClinVar). (SP) 0905 - No published segregation evidence has been identified for this variant. (I) 1007 - No published functional evidence has been identified for this variant. (I) 1208 - Inheritance information for this variant is not currently available in this individual. (I) Legend: (SP) - Supporting pathogenic, (I) - Information, (SB) - Supporting benign

Fulgent Genetics
Classification: Likely pathogenic for Polycystic kidney disease 4. Last evaluated: 2024-02-10. Review status: criteria provided, single submitter. Criteria: ACMG Guidelines, 2015. Collection method: clinical testing. Allele origin: germline.

Eurofins Ntd Llc (ga)
Classification: Uncertain significance. Last evaluated: 2015-10-27. Review status: criteria provided, single submitter. Criteria: EGL Classification Definitions 2015. Collection method: clinical testing. Allele origin: germline. Observed: 3 variant alleles, 3 heterozygotes.

PreventionGenetics, part of Exact Sciences
Classification: Pathogenic for PKHD1-related condition. Last evaluated: 2024-03-01. Review status: no assertion criteria provided. Collection method: clinical testing. Allele origin: germline. Not counted in ClinVar's aggregate classification.
Comment: The PKHD1 c.8425G>A variant is predicted to result in the amino acid substitution p.Gly2809Arg. This variant has been reported in the compound heterozygous state with a pathogenic truncating PKHD1 variant in an individual with autosomal recessive polycystic kidney disease (ARPKD) (Sharp et al. 2005. PubMed ID: 15805161). In addition, at PreventionGenetics, we have previously found this variant with different pathogenic PKHD1 variants in multiple presumably unrelated patients tested for PKD. This variant is reported in 0.0099% of alleles in individuals of Ashkenazi Jewish descent in gnomAD. This variant is interpreted as pathogenic.

Literature cited by the submitters: PubMed 15805161 (cited by 5 submitters); PubMed 40774958 (cited by 3 submitters); PubMed 20301501 (cited by Victorian Clinical Genetics Services, Murdoch Childrens Research Institute); PubMed 21945273 (cited by Victorian Clinical Genetics Services, Murdoch Childrens Research Institute); PubMed 25034658 (cited by Victorian Clinical Genetics Services, Murdoch Childrens Research Institute).

NM_138694.4(PKHD1):c.8425G>A (p.Gly2809Arg)

Gene: PKHD1 (PKHD1 ciliary IPT domain containing fibrocystin/polyductin; minus strand). Cytogenetic location: 6p12.3.
Variant type: single nucleotide variant.
Coding change: c.8425G>A on transcript NM_138694.4 (MANE Select); coding-DNA position 8425, G replaced by A.
Protein change: p.Gly2809Arg; replaces glycine 2809 with arginine.
Molecular consequence: missense variant.
Genome position (GRCh38, 1-based): chr6:51,791,251, C>T on the plus strand (G>A on the coding strand, the complement: PKHD1 is on the minus strand). VCF-style: chr6-51791251-C-T. GRCh37 (hg19) VCF-style: chr6-51656049-C-T.
Other names: c.8425G>A, p.Gly2809Arg (NM_170724.3); short protein forms G2809R.
Identifiers: ClinVar variation 96434 (VCV000096434.26), dbSNP rs398124497, ClinGen allele CA224103.
Genomic context (GRCh38, chr6:51,791,251, plus strand): 5'-GAATATAATTCTCAACATGCTCGCAATCCTTGTGCCTTTACTCACCAACTTTCAGCTCCC[C>T]GCCTGCAATGACCATGCATGCCACACTCAGAACATTGCTTCTGTCCACAGGGAAGTCTAA-3'
Protein context (NP_619639.3, residues 2799-2819): LSVACMVIAG[Gly2809Arg]ELKVGTLENP